The following is an entry in ClinVar:

NM_014629.4(ARHGEF10):c.528C>T (p.Ser176=)

Gene: ARHGEF10 (Rho guanine nucleotide exchange factor 10; plus strand). Cytogenetic location: 8p23.3.
Variant type: single nucleotide variant.
Coding change: c.528C>T on transcript NM_014629.4 (MANE Select); coding-DNA position 528, C replaced by T.
Protein change: p.Ser176=; no amino-acid change (serine 176 retained).
Molecular consequence: synonymous variant.
Genome position (GRCh38, 1-based): chr8:1,864,419, C>T. VCF-style: chr8-1864419-C-T. GRCh37 (hg19) VCF-style: chr8-1812585-C-T.
Other names: c.531C>T, p.Ser177= (NM_001308152.2, NM_001308153.3).
Identifiers: ClinVar variation 1672336 (VCV001672336.10), dbSNP rs141543490, ClinGen allele CA4599826.

ClinVar aggregate classification (germline): Likely benign. Review status: criteria provided, multiple submitters, no conflicts (2 of 4 stars). 2 submissions from 2 submitters: Likely benign (2). Last evaluated 2026-06-01.

Allele frequency attached by ClinVar (database versions not stated): ESP Exome Variant Server 0.00015; gnomAD 0.00019 and 0.00021; TOPMed 0.00027.
gnomAD v4.1: 117 of 1,614,100 alleles (0.0072%); highest among the groups gnomAD compares: African/African-American, 0.056%; no homozygotes.

Submissions (2):

CeGaT Center for Human Genetics Tuebingen
Classification: Likely benign. Last evaluated: 2026-06-01. Review status: criteria provided, single submitter. Criteria: CeGaT Center For Human Genetics Tuebingen Variant Classification Criteria Version 2. Collection method: clinical testing. Allele origin: germline. Affected: yes. Observed: 1 variant allele.
Comment: ARHGEF10: BP4, BP7

Labcorp Genetics (formerly Invitae), Labcorp
Classification: Likely benign. Last evaluated: 2026-01-11. Review status: criteria provided, single submitter. Criteria: Invitae Variant Classification Sherloc (09022015). Collection method: clinical testing. Allele origin: germline.